The following is an entry in ClinVar:

NM_001355436.2(SPTB):c.6515C>T (p.Pro2172Leu)

Gene: SPTB (spectrin beta, erythrocytic; minus strand). Cytogenetic location: 14q23.3.
Variant type: single nucleotide variant.
Coding change: c.6515C>T on transcript NM_001355436.2 (MANE Select); coding-DNA position 6515, C replaced by T.
Protein change: p.Pro2172Leu; replaces proline 2172 with leucine.
Molecular consequence: missense variant.
Genome position (GRCh38, 1-based): chr14:64,753,624, G>A on the plus strand (C>T on the coding strand, the complement: SPTB is on the minus strand). VCF-style: chr14-64753624-G-A. GRCh37 (hg19) VCF-style: chr14-65220342-G-A.
Other names: c.6515C>T, p.Pro2172Leu (NM_001024858.4); c.6515C>T (NM_001024858.2); short protein forms P2172L.
Identifiers: ClinVar variation 4083751 (VCV004083751.10).

ClinVar aggregate classification (germline): Likely benign. Review status: criteria provided, multiple submitters, no conflicts (2 of 4 stars). 3 submissions from 3 submitters: Likely benign (3). Last evaluated 2025-06-10.

Conditions:
SPTB-related disorder. Also called: SPTB-Related Disorders; SPTB-related condition.

gnomAD v4.1: 2,780 of 1,613,652 alleles (0.17%); highest among the groups gnomAD compares: Non-Finnish European, 0.21%; 7 homozygotes.

Submissions (3):

PreventionGenetics, part of Exact Sciences
Classification: Likely benign for SPTB-related condition. Last evaluated: 2025-06-10. Review status: criteria provided, single submitter. Criteria: ACMG Guidelines, 2015. Collection method: clinical testing. Allele origin: germline.
Comment: This variant is classified as likely benign based on ACMG/AMP sequence variant interpretation guidelines (Richards et al. 2015 PMID: 25741868, with internal and published modifications).

CeGaT Center for Human Genetics Tuebingen
Classification: Likely benign. Last evaluated: 2025-06-01. Review status: criteria provided, single submitter. Criteria: CeGaT Center For Human Genetics Tuebingen Variant Classification Criteria Version 2. Collection method: clinical testing. Allele origin: germline. Affected: yes. Observed: 1 variant allele.
Comment: SPTB: BP4, BS2

ARUP Laboratories, Molecular Genetics and Genomics, ARUP Laboratories
Classification: Likely benign. Last evaluated: 2025-01-08. Review status: criteria provided, single submitter. Criteria: ARUP Molecular Germline Variant Investigation Process 2024. Collection method: clinical testing. Allele origin: germline.